The following is an entry in ClinVar:

NM_015215.4(CAMTA1):c.3015C>T (p.Gly1005=)

Gene: CAMTA1 (calmodulin binding transcription activator 1; plus strand). Cytogenetic location: 1p36.23.
Variant type: single nucleotide variant.
Coding change: c.3015C>T on transcript NM_015215.4 (MANE Select); coding-DNA position 3015, C replaced by T.
Protein change: p.Gly1005=; no amino-acid change (glycine 1005 retained).
Molecular consequence: synonymous variant.
Genome position (GRCh38, 1-based): chr1:7,732,548, C>T. VCF-style: chr1-7732548-C-T. GRCh37 (hg19) VCF-style: chr1-7792608-C-T.
Other names: p.Gly1005=; c.2925C>T, p.Gly975= (NM_001349608.2, NM_001349612.2); c.3015C>T, p.Gly1005= (NM_001349609.2, NM_001349610.2, NM_001410737.1); c.144C>T, p.Gly48= (NM_001349613.1); c.87C>T, p.Gly29= (NM_001349614.1, NM_001349615.2, NM_001349616.2 and 10 more transcripts); c.2943C>T, p.Gly981= (NM_001410738.1).
Identifiers: ClinVar variation 2909867 (VCV002909867.18), dbSNP rs369674388, ClinGen allele CA566802.

ClinVar aggregate classification (germline): Likely benign. Review status: criteria provided, multiple submitters, no conflicts (2 of 4 stars). 3 submissions from 3 submitters: Likely benign (3). Last evaluated 2025-07-21.

Allele frequency attached by ClinVar (database versions not stated): ExAC 0.00001; gnomAD 0.00001; gnomAD exomes 0.00001; TOPMed 0.00002; ESP Exome Variant Server 0.00008.
gnomAD v4.1: 14 of 1,613,120 alleles (0.00087%); highest among the groups gnomAD compares: Non-Finnish European, 0.0011%; no homozygotes.

Submissions (3):

Mayo Clinic Laboratories, Mayo Clinic
Classification: Likely benign. Last evaluated: 2025-07-21. Review status: criteria provided, single submitter. Criteria: ACMG Guidelines, 2015. Collection method: clinical testing. Allele origin: germline. Observed: 1 variant allele.
Comment: BP4, BP7

CeGaT Center for Human Genetics Tuebingen
Classification: Likely benign. Last evaluated: 2024-09-01. Review status: criteria provided, single submitter. Criteria: CeGaT Center For Human Genetics Tuebingen Variant Classification Criteria Version 2. Collection method: clinical testing. Allele origin: germline. Affected: yes. Observed: 1 variant allele.
Comment: CAMTA1: BP4, BP7

Labcorp Genetics (formerly Invitae), Labcorp
Classification: Likely benign. Last evaluated: 2022-11-24. Review status: criteria provided, single submitter. Criteria: Invitae Variant Classification Sherloc (09022015). Collection method: clinical testing. Allele origin: germline.